The following is an entry in ClinVar:

NM_001252024.2(TRPM1):c.1693G>A (p.Gly565Arg)

Gene: TRPM1 (transient receptor potential cation channel subfamily M member 1; minus strand). Cytogenetic location: 15q13.3.
Variant type: single nucleotide variant.
Coding change: c.1693G>A on transcript NM_001252024.2 (MANE Select); coding-DNA position 1693, G replaced by A.
Protein change: p.Gly565Arg; replaces glycine 565 with arginine.
Molecular consequence: missense variant.
Genome position (GRCh38, 1-based): chr15:31,047,182, C>T on the plus strand (G>A on the coding strand, the complement: TRPM1 is on the minus strand). VCF-style: chr15-31047182-C-T. GRCh37 (hg19) VCF-style: chr15-31339385-C-T.
Other names: c.1744G>A, p.Gly582Arg (NM_001252020.2); c.1627G>A, p.Gly543Arg (NM_002420.6); c.1744G>A (NM_001252020.1); short protein forms G565R, G543R, G582R.
Identifiers: ClinVar variation 860385 (VCV000860385.10), dbSNP rs181976061, ClinGen allele CA7452466.

ClinVar aggregate classification (germline): Conflicting classifications of pathogenicity. Review status: criteria provided, conflicting classifications (1 of 4 stars). 3 submissions from 3 submitters: Uncertain significance (1); Likely benign (2). Last evaluated 2025-09-30.

Conditions:
TRPM1-related disorder. Also called: TRPM1-related condition.

Allele frequency attached by ClinVar (database versions not stated): gnomAD 0.00004 and 0.00005; gnomAD exomes 0.00005 and 0.00015; TOPMed 0.00014; ExAC 0.00016; 1000 Genomes Project 30x 0.00031; 1000 Genomes Project 0.00040.
gnomAD v4.1: 84 of 1,614,204 alleles (0.0052%); highest among the groups gnomAD compares: East Asian, 0.17%; no homozygotes.

Submissions (3):

Labcorp Genetics (formerly Invitae), Labcorp
Classification: Likely benign. Last evaluated: 2025-09-30. Review status: criteria provided, single submitter. Criteria: Invitae Variant Classification Sherloc (09022015). Collection method: clinical testing. Allele origin: germline.

PreventionGenetics, part of Exact Sciences
Classification: Likely benign for TRPM1-related condition. Last evaluated: 2025-05-22. Review status: criteria provided, single submitter. Criteria: ACMG Guidelines, 2015. Collection method: clinical testing. Allele origin: germline.
Comment: This variant is classified as likely benign based on ACMG/AMP sequence variant interpretation guidelines (Richards et al. 2015 PMID: 25741868, with internal and published modifications).

Blueprint Genetics
Classification: Uncertain significance. Last evaluated: 2024-08-08. Review status: criteria provided, single submitter. Criteria: ACMG Guidelines, 2015. Collection method: clinical testing. Allele origin: germline.